The following is an entry in ClinVar:

ClinVar aggregate classification (germline): Benign/Likely benign. Review status: criteria provided, multiple submitters, no conflicts (2 of 4 stars). 3 submissions from 3 submitters: Benign (1); Likely benign (2). Last evaluated 2025-01-25.

Conditions:
Prostate cancer, hereditary, 9 (HPC9). Identifiers: Orphanet 1331, MedGen C1970250, MONDO:0012597, OMIM 610997.
Hereditary cancer-predisposing syndrome. Also called: Tumor predisposition; Neoplastic Syndromes, Hereditary; Hereditary Cancer Syndrome; Hereditary neoplastic syndrome. Identifiers: Orphanet 140162, MedGen C0027672, MeSH D009386, MONDO:0015356.

Submissions (3):

Labcorp Genetics (formerly Invitae), Labcorp
Classification: Likely benign. Last evaluated: 2025-01-25. Review status: criteria provided, single submitter. Criteria: Invitae Variant Classification Sherloc (09022015). Collection method: clinical testing. Allele origin: germline.

Myriad Genetics, Inc.
Classification: Benign for Prostate cancer, hereditary, 9. Last evaluated: 2024-10-29. Review status: criteria provided, single submitter. Criteria: Myriad Autosomal Dominant, Autosomal Recessive and X-Linked Classification Criteria (2023). Collection method: clinical testing. Allele origin: unknown.
Comment: This variant is considered benign. This variant is a silent/synonymous amino acid change and it is not expected to impact splicing.

Ambry Genetics
Classification: Likely benign for Hereditary cancer-predisposing syndrome. Last evaluated: 2021-12-05. Review status: criteria provided, single submitter. Criteria: Ambry Variant Classification Scheme 2023. Collection method: clinical testing. Allele origin: germline.

NM_006361.6(HOXB13):c.318G>A (p.Leu106=)

Gene: HOXB13 (homeobox B13; minus strand). Cytogenetic location: 17q21.32.
Variant type: single nucleotide variant.
Coding change: c.318G>A on transcript NM_006361.6 (MANE Select); coding-DNA position 318, G replaced by A.
Protein change: p.Leu106=; no amino-acid change (leucine 106 retained).
Molecular consequence: synonymous variant.
Genome position (GRCh38, 1-based): chr17:48,728,276, C>T on the plus strand (G>A on the coding strand, the complement: HOXB13 is on the minus strand). VCF-style: chr17-48728276-C-T. GRCh37 (hg19) VCF-style: chr17-46805638-C-T.
Identifiers: ClinVar variation 1728644 (VCV001728644.8), dbSNP rs1184181543, ClinGen allele CA500661919.